The following is an entry in ClinVar:

NM_000152.5(GAA):c.1674_1675del (p.Ala559fs)

Gene: GAA (alpha glucosidase; plus strand). Cytogenetic location: 17q25.3.
Variant type: Microsatellite.
Coding change: c.1674_1675del on transcript NM_000152.5 (MANE Select); coding-DNA positions 1674 to 1675, 2 bases deleted (TG; older notation c.1674_1675delTG).
Protein change: p.Ala559fs; shifts the reading frame from alanine 559.
Molecular consequence: frameshift variant.
Genome position (GRCh38, 1-based): chr17:80,112,020-80,112,021, TG deleted; deleting any 2 consecutive bases within chr17:80,112,018-80,112,021 gives the same sequence; the c. name uses the placement nearest the transcript's 3' end. VCF-style (leftmost placement, unchanged base first): chr17-80112017-CTG-C. GRCh37 (hg19) VCF-style: chr17-78085816-CTG-C.
Other names: c.1674_1675del, p.Ala559fs (NM_001079803.3, NM_001079804.3); short protein forms A559fs.
Identifiers: ClinVar variation 1397833 (VCV001397833.7), dbSNP rs2143882664, ClinGen allele CA2580612682.

ClinVar aggregate classification (germline): Pathogenic. Review status: criteria provided, multiple submitters, no conflicts (2 of 4 stars). 2 submissions from 2 submitters: Pathogenic (2). Last evaluated 2026-07-01.

Conditions:
Glycogen storage disease, type II (IOPD). Also called: CARDIOMEGALIA GLYCOGENICA DIFFUSA; GLYCOGENOSIS, GENERALIZED, CARDIAC FORM; GSD II; POMPE DISEASE, INFANTILE-ONSET; GLYCOGEN STORAGE DISEASE II, INFANTILE-ONSET; ACID ALPHA-GLUCOSIDASE DEFICIENCY, INFANTILE-ONSET. Identifiers: Orphanet 365, MedGen C0017921, MONDO:0009290, OMIM 232300.

Submissions (2):

Genomenon, Inc
Classification: Pathogenic for Glycogen storage disease, type II. Last evaluated: 2026-07-01. Review status: criteria provided, single submitter. Criteria: Genomenon Sequence Variant Interpretation Standards - Updated. Collection method: curation. Allele origin: germline. Affected: yes.
Comment: GAA p.Ala559LeufsTer76 (c.1674_1675del) is a frameshift variant that is predicted to introduce a premature termination codon and result in a truncated or absent protein product. This variant has been observed in at least one proband with a GAA-related disorder (PMID:38958145). It is absent or not present at a significant frequency in gnomAD. In conclusion, we classify GAA p.Ala559LeufsTer76 (c.1674_1675del) as a pathogenic variant.

Labcorp Genetics (formerly Invitae), Labcorp
Classification: Pathogenic for Glycogen storage disease, type II. Last evaluated: 2021-05-31. Review status: criteria provided, single submitter. Criteria: Invitae Variant Classification Sherloc (09022015). Collection method: clinical testing. Allele origin: germline.
Comment: This variant is not present in population databases (ExAC no frequency). This sequence change creates a premature translational stop signal (p.Ala559Leufs*76) in the GAA gene. It is expected to result in an absent or disrupted protein product. Loss-of-function variants in GAA are known to be pathogenic (PMID: 18425781, 22252923). This variant has not been reported in the literature in individuals with GAA-related conditions. For these reasons, this variant has been classified as Pathogenic.

Literature cited by the submitters: PubMed 38958145 (cited by Genomenon, Inc); PubMed 18425781 (cited by Labcorp Genetics (formerly Invitae), Labcorp); PubMed 22252923 (cited by Labcorp Genetics (formerly Invitae), Labcorp).